The following is an entry in ClinVar:

ClinVar aggregate classification (germline): Uncertain significance (1 of 4 stars; one submission).

gnomAD v4.1: 4 of 1,613,830 alleles (0.00025%); highest among the groups gnomAD compares: South Asian, 0.0033%; no homozygotes.

Submission:

GeneDx
Classification: Uncertain significance. Last evaluated: 2025-05-22. Review status: criteria provided, single submitter. Criteria: GeneDx Variant Classification Process June 2021. Collection method: clinical testing. Allele origin: germline. Affected: yes.
Comment: In silico analysis suggests that this missense variant does not alter protein structure/function; Has not been previously published as pathogenic or benign to our knowledge

NM_203486.3(DLL3):c.1758+73C>A

Gene: DLL3 (delta like canonical Notch ligand 3; plus strand). Cytogenetic location: 19q13.2.
Variant type: single nucleotide variant.
Coding change: c.1758+73C>A on transcript NM_203486.3 (MANE Select); 73 bases into the intron after coding-DNA position 1758, C replaced by A.
Molecular consequence: intron variant. On other transcripts: missense variant (1).
Genome position (GRCh38, 1-based): chr19:39,507,987, C>A. VCF-style: chr19-39507987-C-A. GRCh37 (hg19) VCF-style: chr19-39998627-C-A.
Other names: c.1831C>A, p.Pro611Thr (NM_016941.4); short protein forms P611T.
Identifiers: ClinVar variation 4531140 (VCV004531140.1).